The following is an entry in ClinVar:

NM_001164508.2(NEB):c.1152+5G>A

Gene: NEB (nebulin; minus strand). Cytogenetic location: 2q23.3.
Variant type: single nucleotide variant.
Coding change: c.1152+5G>A on transcript NM_001164508.2 (MANE Select); 5 bases into the intron after coding-DNA position 1152, G replaced by A.
Molecular consequence: intron variant.
Genome position (GRCh38, 1-based): chr2:151,706,876, C>T on the plus strand (G>A on the coding strand, the complement: NEB is on the minus strand). VCF-style: chr2-151706876-C-T. GRCh37 (hg19) VCF-style: chr2-152563390-C-T.
Other names: c.1152+5G>A (NM_004543.5, NM_001164507.2, NM_001271208.2).
Identifiers: ClinVar variation 465438 (VCV000465438.18), dbSNP rs111404077, ClinGen allele CA1911682.
Genomic context (GRCh38, chr2:151,706,876, plus strand): 5'-AAGGAGAAAATTTTCATCTCTTTTGCAGCTAAGGTTTAAAAACACTTTGACAAAAATATA[C>T]TTACGTCACTTAGGGCATCTCCTGCTGCCTTCAGCTGCCTAAGCTGTGGGTTCTCTGAAG-3'

ClinVar aggregate classification (germline): Uncertain significance. Review status: criteria provided, multiple submitters, no conflicts (2 of 4 stars). 6 submissions from 6 submitters: Uncertain significance (4). 2 of the submissions do not count toward it. Last evaluated 2025-03-24.

Conditions:
Nemaline myopathy. Also called: Myopathies, Nemaline. Identifiers: Orphanet 607, MedGen C0206157, MONDO:0018958.
Nemaline myopathy 2 (NEM2). Also called: Nemaline myopathy 2, autosomal recessive. Identifiers: MedGen C1850569, MONDO:0009725, OMIM 256030.

Allele frequency attached by ClinVar (database versions not stated): ExAC 0.00032; gnomAD exomes 0.00010 and 0.00013; TOPMed 0.00005; gnomAD 0.00008 and 0.00009.

Submissions (7):

Broad Center for Mendelian Genomics, Broad Institute of MIT and Harvard
Classification: Uncertain significance for Nemaline myopathy. Last evaluated: 2025-03-24. Review status: criteria provided, single submitter. Criteria: ACMG Guidelines, 2015. Collection method: curation. Allele origin: germline. Inheritance: Autosomal recessive inheritance.
Comment: The c.1152+5G>A variant in NEB has been identified in one individual with nemaline myopathy (PMID: 25205138), and has been identified in 0.01% (141/1161986) of European (non-Finnish) chromosomes by the Genome Aggregation Database (gnomAD; dbSNP ID: rs111404077). Although this variant has been seen in the general population in a heterozygous state, its frequency is not high enough to rule out a pathogenic role. This variant has also been reported in ClinVar (Variation ID: 465438) and has been interpreted as a variant of uncertain significance by multiple submitters. This variant is located in the 5‚Äô splice region. Computational tools do suggest an impact to splicing. However, this information is not predictive enough to determine pathogenicity. In summary, the clinical significance of the c.1152+5G>A variant is uncertain. ACMG/AMP Criteria applied: PP3 (Richards 2015).

Labcorp Genetics (formerly Invitae), Labcorp
Classification: Uncertain significance for Nemaline myopathy 2. Last evaluated: 2022-10-17. Review status: criteria provided, single submitter. Criteria: Invitae Variant Classification Sherloc (09022015). Collection method: clinical testing. Allele origin: germline.
Comment: This sequence change falls in intron 13 of the NEB gene. It does not directly change the encoded amino acid sequence of the NEB protein. It affects a nucleotide within the consensus splice site. This variant is present in population databases (rs111404077, gnomAD 0.03%). This variant has been observed in individual(s) with unspecified nemaline myopathy (PMID: 25205138). ClinVar contains an entry for this variant (Variation ID: 465438). Variants that disrupt the consensus splice site are a relatively common cause of aberrant splicing (PMID: 17576681, 9536098). Algorithms developed to predict the effect of sequence changes on RNA splicing suggest that this variant may disrupt the consensus splice site. In summary, the available evidence is currently insufficient to determine the role of this variant in disease. Therefore, it has been classified as a Variant of Uncertain Significance.

Revvity Omics, Revvity
Classification: Uncertain significance. Last evaluated: 2022-06-28. Review status: criteria provided, single submitter. Criteria: ACMG Guidelines, 2015. Collection method: clinical testing. Allele origin: germline.

Women's Health and Genetics/Laboratory Corporation of America, LabCorp
Classification: Uncertain significance. Last evaluated: 2021-08-12. Review status: criteria provided, single submitter. Criteria: LabCorp Variant Classification Summary - May 2015. Collection method: clinical testing. Allele origin: germline.
Comment: Variant summary: NEB c.1152+5G>A alters a conserved nucleotide located close to a canonical splice site and therefore could affect mRNA splicing, leading to a significantly altered protein sequence. Several computational tools predict a significant impact on normal splicing: one predict the variant abolishes a 5 prime splicing donor site; three predict the variant weakens a 5 prime donor site. However, these predictions have yet to be confirmed by functional studies. The variant allele was found at a frequency of 0.00013 in 212526 control chromosomes. This frequency is not significantly higher than expected for a pathogenic variant in NEB causing Nemaline Myopathy 2 (0.00013 vs 0.0035), allowing no conclusion about variant significance. c.1152+5G>A has been reported in the literature in individuals affected with Nemaline Myopathy 2 (Lehtokari_2014). These data do not allow any conclusion about variant significance. To our knowledge, no experimental evidence demonstrating an impact on protein function has been reported. Four clinical diagnostic laboratories have submitted clinical-significance assessments for this variant to ClinVar after 2014 without evidence for independent evaluation. All laboratories classified the variant as uncertain significance. Based on the evidence outlined above, the variant was classified as uncertain significance.

Natera, Inc.
Classification: Uncertain significance for Nemaline myopathy type 2. Last evaluated: 2020-09-16. Review status: no assertion criteria provided. Collection method: clinical testing. Allele origin: germline. Not counted in ClinVar's aggregate classification.

Counsyl
Classification: Uncertain significance for Nemaline myopathy 2. Last evaluated: 2017-01-25. Review status: no assertion criteria provided. Collection method: clinical testing. Allele origin: unknown. Not counted in ClinVar's aggregate classification.

Dr. Peter K. Rogan Lab, Western University
No classification provided (evidence only). Condition: Thymoma. Review status: no classification provided. Collection method: in vitro. Allele origin: not applicable. Functional consequence: retained intron. Not counted in ClinVar's aggregate classification.

Literature cited by the submitters: PubMed 25205138 (cited by 3 submitters); PubMed 17576681 (cited by Labcorp Genetics (formerly Invitae), Labcorp); PubMed 9536098 (cited by Labcorp Genetics (formerly Invitae), Labcorp).